The following is an entry in ClinVar:

NM_002599.5(PDE2A):c.2714G>T (p.Arg905Leu)

Gene: PDE2A (phosphodiesterase 2A; minus strand). Cytogenetic location: 11q13.4.
Variant type: single nucleotide variant.
Coding change: c.2714G>T on transcript NM_002599.5 (MANE Select); coding-DNA position 2714, G replaced by T.
Protein change: p.Arg905Leu; replaces arginine 905 with leucine.
Molecular consequence: missense variant.
Genome position (GRCh38, 1-based): chr11:72,577,496, C>A on the plus strand (G>T on the coding strand, the complement: PDE2A is on the minus strand). VCF-style: chr11-72577496-C-A. GRCh37 (hg19) VCF-style: chr11-72288540-C-A.
Other names: c.2693G>T, p.Arg898Leu (NM_001143839.4); c.2687G>T, p.Arg896Leu (NM_001146209.3); c.2651G>T, p.Arg884Leu (NM_001243784.2); short protein forms R884L, R896L, R905L, R898L.
Identifiers: ClinVar variation 1965653 (VCV001965653.5), dbSNP rs1278223553, ClinGen allele CA381745724.

ClinVar aggregate classification (germline): Uncertain significance (1 of 4 stars; one submission).

gnomAD v4.1: 4 of 1,613,498 alleles (0.00025%); highest among the groups gnomAD compares: East Asian, 0.0022%; no homozygotes.

Submission:

Labcorp Genetics (formerly Invitae), Labcorp
Classification: Uncertain significance. Last evaluated: 2023-08-31. Review status: criteria provided, single submitter. Criteria: Invitae Variant Classification Sherloc (09022015). Collection method: clinical testing. Allele origin: germline.
Comment: In summary, the available evidence is currently insufficient to determine the role of this variant in disease. Therefore, it has been classified as a Variant of Uncertain Significance. An algorithm developed to predict the effect of missense changes on protein structure and function (PolyPhen-2) suggests that this variant is likely to be tolerated. ClinVar contains an entry for this variant (Variation ID: 1965653). This variant has not been reported in the literature in individuals affected with PDE2A-related conditions. This variant is present in population databases (no rsID available, gnomAD 0.0009%). This sequence change replaces arginine, which is basic and polar, with leucine, which is neutral and non-polar, at codon 905 of the PDE2A protein (p.Arg905Leu).